The following is an entry in ClinVar:

NM_024928.5(STN1):c.499A>T (p.Met167Leu)

Gene: STN1 (STN1 subunit of CST complex; minus strand). Cytogenetic location: 10q24.33.
Variant type: single nucleotide variant.
Coding change: c.499A>T on transcript NM_024928.5 (MANE Select); coding-DNA position 499, A replaced by T.
Protein change: p.Met167Leu; replaces methionine 167 with leucine.
Molecular consequence: missense variant.
Genome position (GRCh38, 1-based): chr10:103,898,959, T>A on the plus strand (A>T on the coding strand, the complement: STN1 is on the minus strand). VCF-style: chr10-103898959-T-A. GRCh37 (hg19) VCF-style: chr10-105658717-T-A.
Other names: short protein forms M167L.
Identifiers: ClinVar variation 3649843 (VCV003649843.2).

ClinVar aggregate classification (germline): Uncertain significance (1 of 4 stars; one submission).

Submission:

Labcorp Genetics (formerly Invitae), Labcorp
Classification: Uncertain significance. Last evaluated: 2024-08-02. Review status: criteria provided, single submitter. Criteria: Invitae Variant Classification Sherloc (09022015). Collection method: clinical testing. Allele origin: germline.
Comment: This sequence change replaces methionine, which is neutral and non-polar, with leucine, which is neutral and non-polar, at codon 167 of the STN1 protein (p.Met167Leu). This variant is not present in population databases (gnomAD no frequency). This variant has not been reported in the literature in individuals affected with STN1-related conditions. Advanced modeling of protein sequence and biophysical properties (such as structural, functional, and spatial information, amino acid conservation, physicochemical variation, residue mobility, and thermodynamic stability) has been performed at Invitae for this missense variant, however the output from this modeling did not meet the statistical confidence thresholds required to predict the impact of this variant on STN1 protein function. In summary, the available evidence is currently insufficient to determine the role of this variant in disease. Therefore, it has been classified as a Variant of Uncertain Significance.